The following is an entry in ClinVar:

ClinVar aggregate classification (germline): Likely benign (1 of 4 stars; one submission).

Conditions:
IFT172-related disorder. Also called: IFT172-related disorders; IFT172-related condition.

Submission:

PreventionGenetics, part of Exact Sciences
Classification: Likely benign for IFT172-related condition. Last evaluated: 2025-02-06. Review status: criteria provided, single submitter. Criteria: ACMG Guidelines, 2015. Collection method: clinical testing. Allele origin: germline.
Comment: This variant is classified as likely benign based on ACMG/AMP sequence variant interpretation guidelines (Richards et al. 2015 PMID: 25741868, with internal and published modifications).

NM_015662.3(IFT172):c.4540-9C>G

Gene: IFT172 (intraflagellar transport 172; minus strand). Cytogenetic location: 2p23.3.
Variant type: single nucleotide variant.
Coding change: c.4540-9C>G on transcript NM_015662.3 (MANE Select); 9 bases into the intron before coding-DNA position 4540, C replaced by G.
Molecular consequence: intron variant.
Genome position (GRCh38, 1-based): chr2:27,447,643, G>C on the plus strand (C>G on the coding strand, the complement: IFT172 is on the minus strand). VCF-style: chr2-27447643-G-C. GRCh37 (hg19) VCF-style: chr2-27670510-G-C.
Other names: c.4474-9C>G (NM_001410739.1).
Identifiers: ClinVar variation 4996846 (VCV004996846.1).